The following is an entry in ClinVar:

ClinVar aggregate classification (germline): Benign/Likely benign. Review status: criteria provided, multiple submitters, no conflicts (2 of 4 stars). 4 submissions from 4 submitters: Benign (1); Likely benign (3). Last evaluated 2024-10-08.

Conditions:
Hereditary cancer-predisposing syndrome. Also called: Hereditary neoplastic syndrome; Tumor predisposition; Hereditary Cancer Syndrome; Neoplastic Syndromes, Hereditary. Identifiers: Orphanet 140162, MedGen C0027672, MeSH D009386, MONDO:0015356.
Familial cancer of breast. Also called: hereditary breast carcinoma; Hereditary breast cancer; BREAST CANCER, FAMILIAL. Identifiers: Orphanet 227535, MedGen C0346153, MONDO:0016419, OMIM 114480. Disease mechanism: loss of function.

Allele frequency attached by ClinVar (database versions not stated): TOPMed below 0.00001; gnomAD 0.00001; gnomAD exomes 0.00001.
gnomAD v4.1: 7 of 1,595,938 alleles (0.00044%); highest among the groups gnomAD compares: Non-Finnish European, 0.00059%; no homozygotes.

Submissions (4):

Myriad Genetics, Inc.
Classification: Benign for Familial cancer of breast. Last evaluated: 2024-10-08. Review status: criteria provided, single submitter. Criteria: Myriad Autosomal Dominant, Autosomal Recessive and X-Linked Classification Criteria (2023). Collection method: clinical testing. Allele origin: unknown.
Comment: This variant is considered benign. This variant is a silent/synonymous amino acid change and it is not expected to impact splicing.

Labcorp Genetics (formerly Invitae), Labcorp
Classification: Likely benign for Familial cancer of breast. Last evaluated: 2024-04-03. Review status: criteria provided, single submitter. Criteria: Invitae Variant Classification Sherloc (09022015). Collection method: clinical testing. Allele origin: germline.

Ambry Genetics
Classification: Likely benign for Hereditary cancer-predisposing syndrome. Last evaluated: 2018-11-12. Review status: criteria provided, single submitter. Criteria: Ambry Variant Classification Scheme 2023. Collection method: clinical testing. Allele origin: germline.

Color Diagnostics, LLC DBA Color Health
Classification: Likely benign for Hereditary cancer-predisposing syndrome. Last evaluated: 2017-06-15. Review status: criteria provided, single submitter. Criteria: ACMG Guidelines, 2015. Collection method: clinical testing. Allele origin: germline.

NM_007194.4(CHEK2):c.1410T>C (p.Asp470=)

Gene: CHEK2 (checkpoint kinase 2; minus strand). Cytogenetic location: 22q12.1.
Variant type: single nucleotide variant.
Coding change: c.1410T>C on transcript NM_007194.4 (MANE Select); coding-DNA position 1410, T replaced by C.
Protein change: p.Asp470=; no amino-acid change (aspartic acid 470 retained).
Molecular consequence: synonymous variant.
Genome position (GRCh38, 1-based): chr22:28,694,083, A>G on the plus strand (T>C on the coding strand, the complement: CHEK2 is on the minus strand). VCF-style: chr22-28694083-A-G. GRCh37 (hg19) VCF-style: chr22-29090071-A-G.
Other names: c.1539T>C, p.Asp513= (NM_001005735.3); c.747T>C, p.Asp249= (NM_001257387.3); c.1209T>C, p.Asp403= (NM_001349956.3); c.1323T>C, p.Asp441= (NM_145862.3).
Identifiers: ClinVar variation 220105 (VCV000220105.20), dbSNP rs864622382, ClinGen allele CA348124.